The following is an entry in ClinVar:

NM_004656.4(BAP1):c.68G>A (p.Gly23Asp)

Gene: BAP1 (BRCA1 associated deubiquitinase 1; minus strand). Cytogenetic location: 3p21.1.
Variant type: single nucleotide variant.
Coding change: c.68G>A on transcript NM_004656.4 (MANE Select); coding-DNA position 68, G replaced by A.
Protein change: p.Gly23Asp; replaces glycine 23 with aspartic acid.
Molecular consequence: missense variant.
Genome position (GRCh38, 1-based): chr3:52,409,608, C>T on the plus strand (G>A on the coding strand, the complement: BAP1 is on the minus strand). VCF-style: chr3-52409608-C-T. GRCh37 (hg19) VCF-style: chr3-52443624-C-T.
Other names: short protein forms G23D.
Identifiers: ClinVar variation 927552 (VCV000927552.3), dbSNP rs1219678513, ClinGen allele CA353114761.

ClinVar aggregate classification (germline): Uncertain significance. Review status: criteria provided, multiple submitters, no conflicts (2 of 4 stars). 2 submissions from 2 submitters: Uncertain significance (2). Last evaluated 2025-08-11.

Conditions:
Hereditary cancer-predisposing syndrome. Also called: Neoplastic Syndromes, Hereditary; Hereditary Cancer Syndrome; Tumor predisposition; Hereditary neoplastic syndrome. Identifiers: Orphanet 140162, MedGen C0027672, MeSH D009386, MONDO:0015356.
BAP1-related tumor predisposition syndrome (TPDS1). Also called: COMMON Syndrome; TUMOR PREDISPOSITION SYNDROME 1; Tumor susceptibility linked to germline BAP1 mutations; BAP1 tumor predisposition syndrome. Identifiers: Orphanet 289539, MedGen C3280492, MONDO:0013692, OMIM 614327.

Submissions (2):

Labcorp Genetics (formerly Invitae), Labcorp
Classification: Uncertain significance for BAP1-related tumor predisposition syndrome. Last evaluated: 2025-08-11. Review status: criteria provided, single submitter. Criteria: Invitae Variant Classification Sherloc (09022015). Collection method: clinical testing. Allele origin: germline.
Comment: This sequence change replaces glycine, which is neutral and non-polar, with aspartic acid, which is acidic and polar, at codon 23 of the BAP1 protein (p.Gly23Asp). This variant is not present in population databases (gnomAD no frequency). This variant has not been reported in the literature in individuals affected with BAP1-related conditions. ClinVar contains an entry for this variant (Variation ID: 927552). An algorithm developed to predict the effect of missense changes on protein structure and function (PolyPhen-2) suggests that this variant is likely to be disruptive. In summary, the available evidence is currently insufficient to determine the role of this variant in disease. Therefore, it has been classified as a Variant of Uncertain Significance.

Color Diagnostics, LLC DBA Color Health
Classification: Uncertain significance for Hereditary cancer-predisposing syndrome. Last evaluated: 2019-06-26. Review status: criteria provided, single submitter. Criteria: ACMG Guidelines, 2015. Collection method: clinical testing. Allele origin: germline.